The following is an entry in ClinVar:

ClinVar aggregate classification (germline): Uncertain significance. Review status: criteria provided, multiple submitters, no conflicts (2 of 4 stars). 3 submissions from 3 submitters: Uncertain significance (3). Last evaluated 2025-07-28.

Conditions:
Multiple endocrine neoplasia, type 2 (MEN2). Identifiers: Orphanet 653, MedGen C4048306, MONDO:0019003. Disease mechanism: gain of function.
Hereditary cancer-predisposing syndrome. Also called: Hereditary Cancer Syndrome; Hereditary neoplastic syndrome; Tumor predisposition; Neoplastic Syndromes, Hereditary. Identifiers: Orphanet 140162, MedGen C0027672, MeSH D009386, MONDO:0015356.

gnomAD v4.1: 3 of 1,612,934 alleles (0.00019%); highest among the groups gnomAD compares: Admixed American, 0.0017%; no homozygotes.

Submissions (3):

Color Diagnostics, LLC DBA Color Health
Classification: Uncertain significance for Multiple endocrine neoplasia, type 2. Last evaluated: 2025-07-28. Review status: criteria provided, single submitter. Criteria: ACMG Guidelines, 2015. Collection method: clinical testing. Allele origin: germline.
Comment: This missense variant replaces serine with asparagine at codon 829 of the RET protein. Computational prediction suggests that this variant may not impact protein structure and function. To our knowledge, functional studies have not been reported for this variant. This variant has not been reported in individuals affected with RET-related disorders in the literature. This variant has been identified in 1/248676 chromosomes in the general population by the Genome Aggregation Database (gnomAD). The available evidence is insufficient to determine the role of this variant in disease conclusively. Therefore, this variant is classified as a Variant of Uncertain Significance.

Ambry Genetics
Classification: Uncertain significance for Hereditary cancer-predisposing syndrome. Last evaluated: 2024-03-22. Review status: criteria provided, single submitter. Criteria: Ambry Variant Classification Scheme 2023. Collection method: clinical testing. Allele origin: germline.
Comment: The p.S829N variant (also known as c.2486G>A), located in coding exon 14 of the RET gene, results from a G to A substitution at nucleotide position 2486. The serine at codon 829 is replaced by asparagine, an amino acid with highly similar properties. This amino acid position is poorly conserved in available vertebrate species. In addition, this alteration is predicted to be tolerated by in silico analysis. Since supporting evidence is limited at this time, the clinical significance of this alteration remains unclear.

Labcorp Genetics (formerly Invitae), Labcorp
Classification: Uncertain significance for Multiple endocrine neoplasia, type 2. Last evaluated: 2023-05-09. Review status: criteria provided, single submitter. Criteria: Invitae Variant Classification Sherloc (09022015). Collection method: clinical testing. Allele origin: germline.
Comment: ClinVar contains an entry for this variant (Variation ID: 1791991). In summary, the available evidence is currently insufficient to determine the role of this variant in disease. Therefore, it has been classified as a Variant of Uncertain Significance. An algorithm developed to predict the effect of missense changes on protein structure and function (PolyPhen-2) suggests that this variant is likely to be tolerated. This variant has not been reported in the literature in individuals affected with RET-related conditions. This variant is present in population databases (no rsID available, gnomAD 0.003%). This sequence change replaces serine, which is neutral and polar, with asparagine, which is neutral and polar, at codon 829 of the RET protein (p.Ser829Asn).

NM_020975.6(RET):c.2486G>A (p.Ser829Asn)

Gene: RET (ret proto-oncogene; plus strand). Cytogenetic location: 10q11.21.
Variant type: single nucleotide variant.
Coding change: c.2486G>A on transcript NM_020975.6 (MANE Select); coding-DNA position 2486, G replaced by A.
Protein change: p.Ser829Asn; replaces serine 829 with asparagine.
Molecular consequence: missense variant.
Genome position (GRCh38, 1-based): chr10:43,119,624, G>A. VCF-style: chr10-43119624-G-A. GRCh37 (hg19) VCF-style: chr10-43615072-G-A.
Other names: c.2486G>A, p.Ser829Asn (NM_000323.2, NM_001406743.1, NM_001406744.1 and 4 more transcripts); c.1724G>A, p.Ser575Asn (NM_001355216.2); c.2357G>A, p.Ser786Asn (NM_001406761.1, NM_001406762.1, NM_001406764.1); c.2351G>A, p.Ser784Asn (NM_001406763.1, NM_001406765.1); c.2198G>A, p.Ser733Asn (NM_001406766.1, NM_001406767.1, NM_001406770.1); c.2222G>A, p.Ser741Asn (NM_001406768.1); c.2090G>A, p.Ser697Asn (NM_001406769.1, NM_001406772.1); c.2048G>A, p.Ser683Asn (NM_001406771.1, NM_001406773.1); and 10 more; short protein forms S394N, S485N, S487N, S575N, S683N, S784N, S499N, S654N.
Identifiers: ClinVar variation 1791991 (VCV001791991.8), dbSNP rs943720843, ClinGen allele CA376556353.